The following is an entry in ClinVar:

NM_000152.5(GAA):c.1062C>T (p.Tyr354=)

Gene: GAA (alpha glucosidase; plus strand). Cytogenetic location: 17q25.3.
Variant type: single nucleotide variant.
Coding change: c.1062C>T on transcript NM_000152.5 (MANE Select); coding-DNA position 1062, C replaced by T.
Protein change: p.Tyr354=; no amino-acid change (tyrosine 354 retained).
Molecular consequence: synonymous variant.
Genome position (GRCh38, 1-based): chr17:80,108,396, C>T. VCF-style: chr17-80108396-C-T. GRCh37 (hg19) VCF-style: chr17-78082195-C-T.
Other names: c.1062C>T, p.Tyr354= (NM_001079803.3, NM_001079804.3).
Identifiers: ClinVar variation 1548389 (VCV001548389.9), dbSNP rs1064796703, ClinGen allele CA502402325.

ClinVar aggregate classification (germline): Likely benign. Review status: criteria provided, multiple submitters, no conflicts (2 of 4 stars). 2 submissions from 2 submitters: Likely benign (2). Last evaluated 2026-07-01.

Conditions:
Glycogen storage disease, type II (IOPD). Also called: CARDIOMEGALIA GLYCOGENICA DIFFUSA; GLYCOGENOSIS, GENERALIZED, CARDIAC FORM; GSD II; Glycogen storage disease type 2; Acid maltase deficiency disease; Aglucosidase alfa. Identifiers: Orphanet 365, MedGen C0017921, MONDO:0009290, OMIM 232300.

Submissions (2):

Genomenon, Inc
Classification: Likely benign for Glycogen storage disease, type II. Last evaluated: 2026-07-01. Review status: criteria provided, single submitter. Criteria: Genomenon Sequence Variant Interpretation Standards - Updated. Collection method: curation. Allele origin: germline. Affected: yes.
Comment: GAA c.1062C>T is a synonymous variant that retains Tyrosine at codon 354. This variant has been observed in at least one proband with a GAA-related disorder (PMID:39835171). It is absent or not present at a significant frequency in gnomAD. This variant is not predicted to impact splicing. In conclusion, we classify GAA c.1062C>T (p.Tyr354=) as a likely benign variant.

Labcorp Genetics (formerly Invitae), Labcorp
Classification: Likely benign for Glycogen storage disease, type II. Last evaluated: 2022-09-20. Review status: criteria provided, single submitter. Criteria: Invitae Variant Classification Sherloc (09022015). Collection method: clinical testing. Allele origin: germline.

Literature cited by the submitters: PubMed 39835171 (cited by Genomenon, Inc).